The following is an entry in ClinVar:

ClinVar aggregate classification (germline): Uncertain significance (1 of 4 stars; one submission).

Conditions:
Nance-Horan syndrome (NHS). Identifiers: Orphanet 627, MedGen C0796085, MONDO:0010545, OMIM 302350.

Allele frequency attached by ClinVar (database versions not stated): gnomAD exomes below 0.00001.
gnomAD v4.1: 1 of 1,211,727 alleles (0.000083%); highest among the groups gnomAD compares: African/African-American, 0.0017%; no homozygotes.

Submission:

Labcorp Genetics (formerly Invitae), Labcorp
Classification: Uncertain significance for Nance-Horan syndrome. Last evaluated: 2022-06-23. Review status: criteria provided, single submitter. Criteria: Invitae Variant Classification Sherloc (09022015). Collection method: clinical testing. Allele origin: germline.
Comment: In summary, the available evidence is currently insufficient to determine the role of this variant in disease. Therefore, it has been classified as a Variant of Uncertain Significance. Algorithms developed to predict the effect of missense changes on protein structure and function (SIFT, PolyPhen-2, Align-GVGD) all suggest that this variant is likely to be disruptive. This variant has not been reported in the literature in individuals affected with NHS-related conditions. This variant is not present in population databases (gnomAD no frequency). This sequence change replaces serine, which is neutral and polar, with phenylalanine, which is neutral and non-polar, at codon 577 of the NHS protein (p.Ser577Phe).

NM_001291867.2(NHS):c.1793C>T (p.Ser598Phe)

Gene: NHS (NHS actin remodeling regulator; plus strand). Cytogenetic location: Xp22.13.
Variant type: single nucleotide variant.
Coding change: c.1793C>T on transcript NM_001291867.2 (MANE Select); coding-DNA position 1793, C replaced by T.
Protein change: p.Ser598Phe; replaces serine 598 with phenylalanine.
Molecular consequence: missense variant.
Genome position (GRCh38, 1-based): chrX:17,725,899, C>T. VCF-style: chrX-17725899-C-T. GRCh37 (hg19) VCF-style: chrX-17744019-C-T.
Other names: c.1262C>T, p.Ser421Phe (NM_001136024.4); c.1199C>T, p.Ser400Phe (NM_001291868.2); c.1730C>T, p.Ser577Phe (NM_198270.4); short protein forms S577F, S421F, S400F, S598F.
Identifiers: ClinVar variation 2165816 (VCV002165816.4), dbSNP rs2519935133, ClinGen allele CA412352978.